The following is an entry in ClinVar:

NM_005744.5(ARIH1):c.809A>G (p.Asn270Ser)

Gene: ARIH1 (ariadne RBR E3 ubiquitin protein ligase 1; plus strand). Cytogenetic location: 15q24.1.
Variant type: single nucleotide variant.
Coding change: c.809A>G on transcript NM_005744.5 (MANE Select); coding-DNA position 809, A replaced by G.
Protein change: p.Asn270Ser; replaces asparagine 270 with serine.
Molecular consequence: missense variant.
Genome position (GRCh38, 1-based): chr15:72,563,398, A>G. VCF-style: chr15-72563398-A-G. GRCh37 (hg19) VCF-style: chr15-72855739-A-G.
Other names: short protein forms N270S.
Identifiers: ClinVar variation 4705418 (VCV004705418.1).

ClinVar aggregate classification (germline): Uncertain significance (1 of 4 stars; one submission).

Submission:

Labcorp Genetics (formerly Invitae), Labcorp
Classification: Uncertain significance. Last evaluated: 2025-12-20. Review status: criteria provided, single submitter. Criteria: Invitae Variant Classification Sherloc (09022015). Collection method: clinical testing. Allele origin: germline.
Comment: This sequence change replaces asparagine, which is neutral and polar, with serine, which is neutral and polar, at codon 270 of the ARIH1 protein (p.Asn270Ser). This variant is present in population databases (no rsID available, gnomAD 0.006%). This variant has not been reported in the literature in individuals affected with ARIH1-related conditions. An algorithm developed to predict the effect of missense changes on protein structure and function (PolyPhen-2) suggests that this variant is likely to be disruptive. In summary, the available evidence is currently insufficient to determine the role of this variant in disease. Therefore, it has been classified as a Variant of Uncertain Significance.